The following is an entry in ClinVar:

NM_000051.4(ATM):c.6335G>A (p.Cys2112Tyr)

Genes: C11orf65 (chromosome 11 open reading frame 65; minus strand), ATM (ATM serine/threonine kinase; plus strand). Cytogenetic location: 11q22.3.
Variant type: single nucleotide variant.
Coding change: c.6335G>A on transcript NM_000051.4 (MANE Select); coding-DNA position 6335, G replaced by A.
Protein change: p.Cys2112Tyr; replaces cysteine 2112 with tyrosine.
Molecular consequence: missense variant. On other transcripts: intron variant (2).
Genome position (GRCh38, 1-based): chr11:108,317,509, G>A. VCF-style: chr11-108317509-G-A. GRCh37 (hg19) VCF-style: chr11-108188236-G-A.
Other names: c.6335G>A, p.Cys2112Tyr (NM_001351834.2); c.641-8438C>T (NM_001330368.2); c.*39-8438C>T (NM_001351110.2); short protein forms C2112Y.
Identifiers: ClinVar variation 1049420 (VCV001049420.8), dbSNP rs1591790360, ClinGen allele CA382552293.

ClinVar aggregate classification (germline): Uncertain significance. Review status: criteria provided, multiple submitters, no conflicts (2 of 4 stars). 4 submissions from 4 submitters: Uncertain significance (3). 1 of the submissions does not count toward it. Last evaluated 2025-04-30.

Conditions:
Hereditary cancer-predisposing syndrome. Also called: Neoplastic Syndromes, Hereditary; Tumor predisposition; Hereditary Cancer Syndrome; Hereditary neoplastic syndrome. Identifiers: Orphanet 140162, MedGen C0027672, MeSH D009386, MONDO:0015356.
Familial cancer of breast. Also called: Hereditary breast cancer; hereditary breast carcinoma; BREAST CANCER, FAMILIAL. Identifiers: Orphanet 227535, MedGen C0346153, MONDO:0016419, OMIM 114480. Disease mechanism: loss of function.
Ataxia-telangiectasia syndrome (AT). Also called: Ataxia telangiectasia (A-T); ATAXIA-TELANGIECTASIA, COMPLEMENTATION GROUP A; ATAXIA-TELANGIECTASIA, FRESNO VARIANT; Ataxia-telangiectasia; Ataxia-telangiectasia, complementation group E; LOUIS-BAR SYNDROME. Identifiers: Orphanet 100, MedGen C0004135, MONDO:0008840, OMIM 208900.
Malignant tumor of breast. Also called: Malignant breast neoplasm; Cancer breast. Identifiers: MedGen C0006142, MONDO:0007254. Disease mechanism: loss of function.

gnomAD v4.1: 2 of 1,607,284 alleles (0.00012%); highest among the groups gnomAD compares: African/African-American, 0.0027%; no homozygotes.

Submissions (4):

Labcorp Genetics (formerly Invitae), Labcorp
Classification: Uncertain significance for Ataxia-telangiectasia syndrome. Last evaluated: 2025-04-30. Review status: criteria provided, single submitter. Criteria: Invitae Variant Classification Sherloc (09022015). Collection method: clinical testing. Allele origin: germline.
Comment: This sequence change replaces cysteine, which is neutral and slightly polar, with tyrosine, which is neutral and polar, at codon 2112 of the ATM protein (p.Cys2112Tyr). This variant is not present in population databases (gnomAD no frequency). This variant has not been reported in the literature in individuals affected with ATM-related conditions. ClinVar contains an entry for this variant (Variation ID: 1049420). Invitae Evidence Modeling of protein sequence and biophysical properties (such as structural, functional, and spatial information, amino acid conservation, physicochemical variation, residue mobility, and thermodynamic stability) indicates that this missense variant is not expected to disrupt ATM protein function with a negative predictive value of 95%. In summary, the available evidence is currently insufficient to determine the role of this variant in disease. Therefore, it has been classified as a Variant of Uncertain Significance.

Ambry Genetics
Classification: Uncertain significance for Hereditary cancer-predisposing syndrome. Last evaluated: 2024-09-05. Review status: criteria provided, single submitter. Criteria: Ambry Variant Classification Scheme 2023. Collection method: clinical testing. Allele origin: germline.
Comment: The p.C2112Y variant (also known as c.6335G>A), located in coding exon 42 of the ATM gene, results from a G to A substitution at nucleotide position 6335. The cysteine at codon 2112 is replaced by tyrosine, an amino acid with highly dissimilar properties. This variant was observed in 2/3251 individuals who met eligibility criteria for hereditary breast and ovarian cancer syndrome (Lerner-Ellis J et al. J Cancer Res Clin Oncol, 2021 Mar;147:871-879). This amino acid position is not well conserved in available vertebrate species. In addition, this alteration is predicted to be tolerated by in silico analysis. Based on the available evidence, the clinical significance of this variant remains unclear.

Baylor Genetics
Classification: Uncertain significance for Familial cancer of breast. Last evaluated: 2023-08-25. Review status: criteria provided, single submitter. Criteria: ACMG Guidelines, 2015. Collection method: clinical testing. Allele origin: unknown.

Department of Pathology and Laboratory Medicine, Sinai Health System
Classification: Uncertain significance for Malignant tumor of breast. Review status: no assertion criteria provided. Collection method: clinical testing. Allele origin: unknown. Affected: yes. Observed: 2 variant alleles. Study: The Canadian Open Genetics Repository (COGR). Not counted in ClinVar's aggregate classification.
Comment: The ATM p.Cys2112Tyr variant was not identified in the literature nor was it identified in the dbSNP, ClinVar, or LOVD 3.0 databases. The variant was not identified in the following control databases: the Exome Aggregation Consortium (August 8th 2016), or the Genome Aggregation Database (Feb 27, 2017). The p.Cys2112 residue is not conserved in mammals and computational analyses (PolyPhen-2, SIFT, AlignGVGD, BLOSUM, MutationTaster) provide inconsistent predictions regarding the impact to the protein; this information is not very predictive of pathogenicity. The variant occurs outside of the splicing consensus sequence and in silico or computational prediction software programs (SpliceSiteFinder, MaxEntScan, NNSPLICE, GeneSplicer) do not predict a difference in splicing. In summary, based on the above information the clinical significance of this variant cannot be determined with certainty at this time. This variant is classified as a variant of uncertain significance.

Literature cited by the submitters: PubMed 32885271 (cited by Ambry Genetics).